The following is an entry in ClinVar:

NM_000702.4(ATP1A2):c.1308_1310del (p.Glu436_Asn437delinsAsp)

Gene: ATP1A2 (ATPase Na+/K+ transporting subunit alpha 2; plus strand). Cytogenetic location: 1q23.2.
Variant type: Deletion.
Coding change: c.1308_1310del on transcript NM_000702.4 (MANE Select); coding-DNA positions 1308 to 1310, 3 bases deleted (GAA; older notation c.1308_1310delGAA).
Protein change: p.Glu436_Asn437delinsAsp.
Molecular consequence: inframe indel.
Genome position (GRCh38, 1-based): chr1:160,129,071-160,129,073, GAA deleted; deleting any 3 consecutive bases within chr1:160,129,070-160,129,073 gives the same sequence; the c. name uses the placement nearest the transcript's 3' end. VCF-style (leftmost placement, unchanged base first): chr1-160129069-GAGA-G. GRCh37 (hg19) VCF-style: chr1-160098859-GAGA-G.
Identifiers: ClinVar variation 3701504 (VCV003701504.2).

ClinVar aggregate classification (germline): Uncertain significance (1 of 4 stars; one submission).

Conditions:
Familial hemiplegic migraine. Identifiers: MedGen C0338484, MONDO:0000700.

Submission:

Labcorp Genetics (formerly Invitae), Labcorp
Classification: Uncertain significance for Familial hemiplegic migraine. Last evaluated: 2024-02-07. Review status: criteria provided, single submitter. Criteria: Invitae Variant Classification Sherloc (09022015). Collection method: clinical testing. Allele origin: germline.
Comment: This variant, c.1308_1310del, is a complex sequence change that results in the deletion of 2 and insertion of 1 amino acid(s) in the ATP1A2 protein (p.Glu436_Asn437delinsAsp). This variant is present in population databases (rs777558964, gnomAD 0.002%). This variant has not been reported in the literature in individuals affected with ATP1A2-related conditions. Experimental studies and prediction algorithms are not available or were not evaluated, and the functional significance of this variant is currently unknown. In summary, the available evidence is currently insufficient to determine the role of this variant in disease. Therefore, it has been classified as a Variant of Uncertain Significance.